The following is an entry in ClinVar:

ClinVar aggregate classification (germline): Pathogenic. Review status: criteria provided, multiple submitters, no conflicts (2 of 4 stars). 3 submissions from 3 submitters: Pathogenic (2). 1 of the submissions does not count toward it. Last evaluated 2022-05-12.

Conditions:
Autosomal dominant intellectual disability-craniofacial anomalies-cardiac defects syndrome (ARTHS). Also called: Mental retardation, autosomal dominant 32; KAT6A syndrome; Arboleda-Tham syndrome. Identifiers: Orphanet 457193, MedGen C4225396, MONDO:0014558, OMIM 616268.

Submissions (3):

Genetics and Molecular Pathology, SA Pathology
Classification: Pathogenic for Autosomal dominant intellectual disability-craniofacial anomalies-cardiac defects syndrome. Last evaluated: 2022-05-12. Review status: criteria provided, single submitter. Criteria: ACMG Guidelines, 2015. Collection method: clinical testing. Allele origin: germline. Inheritance: Autosomal dominant inheritance. Affected: yes.
Comment: The KAT6A c.1133C>G variant is classified as PATHOGENIC (PVS1, PS2, PM2) The KAT6A c.1133C>G variant is a single nucleotide change which is predicted to result in premature termination of the protein product at codon 378 (PVS1). This variant is not in dbSNP and is absent from population databases (PM2). This variant has not been reported in the ClinVar or HGMD disease databases.

Victorian Clinical Genetics Services, Murdoch Childrens Research Institute
Classification: Pathogenic for Autosomal dominant intellectual disability-craniofacial anomalies-cardiac defects syndrome. Last evaluated: 2020-05-25. Review status: criteria provided, single submitter. Criteria: ACMG Guidelines, 2015. Collection method: clinical testing. Allele origin: germline. Inheritance: Autosomal dominant inheritance. Affected: yes.
Comment: Based on the classification scheme VCGS_Germline_v1.1.1, this variant is classified as Pathogenic. Following criteria are met: 0102 - Loss-of-function is a known mechanism of disease for this gene. (N) 0107 - This gene is known to be associated with autosomal dominant disease. (N) 0201 - Variant is predicted to cause nonsense-mediated decay (NMD) and loss of protein (exon 7 of 17). (P) 0251 - Variant is heterozygous. (N) 0301 - Variant is absent from gnomAD. (P) 0401 - Variant is located in a gene associated with a severe early-onset dominant condition that is intolerant to loss-of-function variants. (P) 0701 - Comparable variants have very strong previous evidence for pathogenicity. Multiple NMD-predicted variants have been reported as pathogenic/likely pathogenic (ClinVar, Deciphering Developmental Disorders Study). (P) 0807 - Variant has not previously been reported in a clinical context. (N) 0905 - No segregation evidence has been identified for this variant. (N) 1007 - No published functional evidence has been identified for this variant. (N) 1208 - Inheritance information for this variant is not currently available. (N) Legend: (P) - Pathogenic, (N) - Neutral, (B) - Benign

Molecular Genetics laboratory, Necker Hospital
Classification: Likely pathogenic. Last evaluated: 2018-04-26. Review status: no assertion criteria provided. Collection method: clinical testing. Allele origin: de novo. Affected: yes. Not counted in ClinVar's aggregate classification.

NM_006766.5(KAT6A):c.1133C>G (p.Ser378Ter)

Gene: KAT6A (lysine acetyltransferase 6A; minus strand). Cytogenetic location: 8p11.21.
Variant type: single nucleotide variant.
Coding change: c.1133C>G on transcript NM_006766.5 (MANE Select); coding-DNA position 1133, C replaced by G.
Protein change: p.Ser378Ter; replaces serine 378 with a stop codon.
Molecular consequence: nonsense.
Genome position (GRCh38, 1-based): chr8:41,977,238, G>C on the plus strand (C>G on the coding strand, the complement: KAT6A is on the minus strand). VCF-style: chr8-41977238-G-C. GRCh37 (hg19) VCF-style: chr8-41834756-G-C.
Other names: c.1133C>G, p.Ser378Ter (NM_001305878.2); c.1133C>G (NM_006766.4); short protein forms S378*.
Identifiers: ClinVar variation 1698914 (VCV001698914.4), dbSNP rs2150886525, ClinGen allele CA371076274.